The following is an entry in ClinVar:

NM_024642.5(GALNT12):c.1564G>A (p.Glu522Lys)

Gene: GALNT12 (polypeptide N-acetylgalactosaminyltransferase 12; plus strand). Cytogenetic location: 9q22.33.
Variant type: single nucleotide variant.
Coding change: c.1564G>A on transcript NM_024642.5 (MANE Select); coding-DNA position 1564, G replaced by A.
Protein change: p.Glu522Lys; replaces glutamic acid 522 with lysine.
Molecular consequence: missense variant.
Genome position (GRCh38, 1-based): chr9:98,846,082, G>A. VCF-style: chr9-98846082-G-A. GRCh37 (hg19) VCF-style: chr9-101608364-G-A.
Other names: short protein forms E522K.
Identifiers: ClinVar variation 485670 (VCV000485670.16), dbSNP rs200303625, ClinGen allele CA5154315.

ClinVar aggregate classification (germline): Conflicting classifications of pathogenicity. Review status: criteria provided, conflicting classifications (1 of 4 stars). 3 submissions from 3 submitters: Uncertain significance (2); Likely benign (1). Last evaluated 2025-06-17.

Allele frequency attached by ClinVar (database versions not stated): TOPMed 0.00001; 1000 Genomes Project 0.00020; 1000 Genomes Project 30x 0.00031.

Submissions (3):

Quest Diagnostics Nichols Institute San Juan Capistrano
Classification: Uncertain significance. Last evaluated: 2025-06-17. Review status: criteria provided, single submitter. Criteria: Quest Diagnostics criteria. Collection method: clinical testing. Allele origin: unknown.
Comment: The GALNT12 c.1564G>A (p.Glu522Lys) variant has been reported in the published literature in individuals with breast cancer (PMID: 27153395 (2016)), lymphoma (PMID: 26551670 (2015)), and bladder cancer (PMID: 36788068 (2023)). The frequency of this variant in the general population (Genome Aggregation Database) is uninformative in the assessment of its pathogenicity. Analysis of this variant using bioinformatics tools for the prediction of the effect of amino acid changes on protein structure and function yielded predictions that this variant is benign. Based on the available information, we are unable to determine the clinical significance of this variant.

Labcorp Genetics (formerly Invitae), Labcorp
Classification: Uncertain significance. Last evaluated: 2025-02-08. Review status: criteria provided, single submitter. Criteria: Invitae Variant Classification Sherloc (09022015). Collection method: clinical testing. Allele origin: germline.
Comment: This sequence change replaces glutamic acid, which is acidic and polar, with lysine, which is basic and polar, at codon 522 of the GALNT12 protein (p.Glu522Lys). This variant is present in population databases (rs200303625, gnomAD 0.009%). This variant has not been reported in the literature in individuals affected with GALNT12-related conditions. ClinVar contains an entry for this variant (Variation ID: 485670). Invitae Evidence Modeling of protein sequence and biophysical properties (such as structural, functional, and spatial information, amino acid conservation, physicochemical variation, residue mobility, and thermodynamic stability) indicates that this missense variant is not expected to disrupt GALNT12 protein function with a negative predictive value of 80%. In summary, the available evidence is currently insufficient to determine the role of this variant in disease. Therefore, it has been classified as a Variant of Uncertain Significance.

Ambry Genetics
Classification: Likely benign. Last evaluated: 2021-09-14. Review status: criteria provided, single submitter. Criteria: Ambry Variant Classification Scheme 2023. Collection method: clinical testing. Allele origin: germline.

Literature cited by the submitters: PubMed 27153395 (cited by Quest Diagnostics Nichols Institute San Juan Capistrano); PubMed 26551670 (cited by Quest Diagnostics Nichols Institute San Juan Capistrano); PubMed 36788068 (cited by Quest Diagnostics Nichols Institute San Juan Capistrano).